The following is an entry in ClinVar:

ClinVar aggregate classification (germline): Likely benign. Review status: criteria provided, multiple submitters, no conflicts (2 of 4 stars). 2 submissions from 2 submitters: Likely benign (2). Last evaluated 2025-01-07.

Conditions:
Hereditary spastic paraplegia 28. Also called: Spastic paraplegia 28, autosomal recessive. Identifiers: Orphanet 101008, MedGen C1836295, MONDO:0012256, OMIM 609340.

Allele frequency attached by ClinVar (database versions not stated): gnomAD exomes 0.00006; ExAC 0.00007; TOPMed 0.00027; gnomAD 0.00029 and 0.00030; ESP Exome Variant Server 0.00031; 1000 Genomes Project 0.00040; 1000 Genomes Project 30x 0.00047.

Submissions (2):

Labcorp Genetics (formerly Invitae), Labcorp
Classification: Likely benign for Hereditary spastic paraplegia 28. Last evaluated: 2025-01-07. Review status: criteria provided, single submitter. Criteria: Invitae Variant Classification Sherloc (09022015). Collection method: clinical testing. Allele origin: germline.

GeneDx
Classification: Likely benign. Last evaluated: 2016-02-22. Review status: criteria provided, single submitter. Criteria: GeneDx Variant Classification (06012015). Collection method: clinical testing. Allele origin: germline. Affected: yes.
Comment: This variant is considered likely benign or benign based on one or more of the following criteria: it is a conservative change, it occurs at a poorly conserved position in the protein, it is predicted to be benign by multiple in silico algorithms, and/or has population frequency not consistent with disease.

NM_001160148.2(DDHD1):c.204G>A (p.Ala68=)

Gene: DDHD1 (DDHD domain containing 1; minus strand). Cytogenetic location: 14q22.1.
Variant type: single nucleotide variant.
Coding change: c.204G>A on transcript NM_001160148.2 (MANE Select); coding-DNA position 204, G replaced by A.
Protein change: p.Ala68=; no amino-acid change (alanine 68 retained).
Molecular consequence: synonymous variant.
Genome position (GRCh38, 1-based): chr14:53,152,895, C>T on the plus strand (G>A on the coding strand, the complement: DDHD1 is on the minus strand). VCF-style: chr14-53152895-C-T. GRCh37 (hg19) VCF-style: chr14-53619613-C-T.
Other names: c.204G>A, p.Ala68= (NM_001160147.2, NM_030637.3).
Identifiers: ClinVar variation 382070 (VCV000382070.6), dbSNP rs139727469, ClinGen allele CA7191567.
Genomic context (GRCh38, chr14:53,152,895, plus strand): 5'-GTTCTCGTCACTGAGGCAGGGGTCCAGCGCGAGGTGGTGGTTGTGGTCGTCGGTGCCCGG[C>T]GCCAAATGCAGCCCGGGTTCCCCGCGCAGCAGGGCCAGGGGCACGTCGCCGTCGTCCGGG-3'
Protein context (NP_001153620.1, residues 58-78): LLRGEPGLHL[Ala68=]PGTDDHNHHL